The following is an entry in ClinVar:

NM_014014.5(SNRNP200):c.631-7T>G

Gene: SNRNP200 (small nuclear ribonucleoprotein U5 subunit 200; minus strand). Cytogenetic location: 2q11.2.
Variant type: single nucleotide variant.
Coding change: c.631-7T>G on transcript NM_014014.5 (MANE Select); 7 bases into the intron before coding-DNA position 631, T replaced by G.
Molecular consequence: intron variant.
Genome position (GRCh38, 1-based): chr2:96,299,434, A>C on the plus strand (T>G on the coding strand, the complement: SNRNP200 is on the minus strand). VCF-style: chr2-96299434-A-C. GRCh37 (hg19) VCF-style: chr2-96965172-A-C.
Identifiers: ClinVar variation 2880791 (VCV002880791.3), dbSNP rs2467353481, ClinGen allele CA2739271156.

ClinVar aggregate classification (germline): Uncertain significance (1 of 4 stars; one submission).

Submission:

Labcorp Genetics (formerly Invitae), Labcorp
Classification: Uncertain significance. Last evaluated: 2024-01-08. Review status: criteria provided, single submitter. Criteria: Invitae Variant Classification Sherloc (09022015). Collection method: clinical testing. Allele origin: germline.
Comment: This sequence change falls in intron 5 of the SNRNP200 gene. It does not directly change the encoded amino acid sequence of the SNRNP200 protein. This variant is not present in population databases (gnomAD no frequency). This variant has not been reported in the literature in individuals affected with SNRNP200-related conditions. Algorithms developed to predict the effect of sequence changes on RNA splicing suggest that this variant may disrupt the consensus splice site. In summary, the available evidence is currently insufficient to determine the role of this variant in disease. Therefore, it has been classified as a Variant of Uncertain Significance.